The following is an entry in ClinVar:

ClinVar aggregate classification (germline): Likely benign (1 of 4 stars; one submission).

gnomAD v4.1: 497 of 583,868 alleles (0.085%); highest among the groups gnomAD compares: South Asian, 0.58%; 45 homozygotes.

Submission:

CeGaT Center for Human Genetics Tuebingen
Classification: Likely benign. Last evaluated: 2026-06-01. Review status: criteria provided, single submitter. Criteria: CeGaT Center For Human Genetics Tuebingen Variant Classification Criteria Version 2. Collection method: clinical testing. Allele origin: germline. Affected: yes. Observed: 3 variant alleles.
Comment: HLA-DRB1: BP4, BS2

NM_002124.4(HLA-DRB1):c.301C>T (p.Arg101Trp)

Gene: HLA-DRB1 (major histocompatibility complex, class II, DR beta 1; minus strand). Cytogenetic location: 6p21.32.
Variant type: single nucleotide variant.
Coding change: c.301C>T on transcript NM_002124.4 (MANE Select); coding-DNA position 301, C replaced by T.
Protein change: p.Arg101Trp; replaces arginine 101 with tryptophan.
Molecular consequence: missense variant.
Genome position (GRCh38, 1-based): chr6:32,584,178, G>A on the plus strand (C>T on the coding strand, the complement: HLA-DRB1 is on the minus strand). VCF-style: chr6-32584178-G-A. GRCh37 (hg19) VCF-style: chr6-32551955-G-A.
Other names: short protein forms R101W.
Identifiers: ClinVar variation 3905240 (VCV003905240.10).
Genomic context (GRCh38, chr6:32,584,178, plus strand): 5'-GCACTGTGAAGCTCTCCACAACCCCGTAGTTGTGTCTGCAGTAGGTGTCCACCGCGGCCC[G>A]CGCCTGCTCCAGGATGTCCTTCTGGCTGTTCCAGTACTCAGCGTCAGGCCGCCCCAGCTC-3'
Protein context (NP_002115.2, residues 91-111): NSQKDILEQA[Arg101Trp]AAVDTYCRHN